The following is an entry in ClinVar:

ClinVar aggregate classification (germline): Likely pathogenic (1 of 4 stars; one submission).

Conditions:
Pontocerebellar hypoplasia type 2D (PCH2D). Also called: Progressive cerebello-cerebral atrophy. Identifiers: Orphanet 247198, Orphanet 2524, MedGen C3151140, MONDO:0013438, OMIM 613811.

Submission:

Natera, Inc.
Classification: Likely pathogenic for Pontocerebellar hypoplasia type 2d. Last evaluated: 2024-02-28. Review status: criteria provided, single submitter. Criteria: Natera Variant Classification Schema (03/2026). Collection method: clinical testing. Allele origin: germline.
Comment: The c.236delT variant in SEPSECS is a frameshift variant predicted to shift the reading frame beginning at codon 79 and leads to a stop codon 36 codons downstream. This variant is expected to result in nonsense mediated decay, truncation, or a dysfunctional protein product. This variant is rare in the general population with a frequency below the threshold expected for the associated phenotype(s). Given the available evidence, this variant is classified as Likely Pathogenic.

NM_016955.4(SEPSECS):c.236del (p.Val79fs)

Gene: SEPSECS (Sep (O-phosphoserine) tRNA:Sec (selenocysteine) tRNA synthase; minus strand). Cytogenetic location: 4p15.2.
Variant type: Deletion.
Coding change: c.236del on transcript NM_016955.4 (MANE Select); coding-DNA position 236, one base deleted (T; older notation c.236delT).
Protein change: p.Val79fs; shifts the reading frame from valine 79.
Molecular consequence: frameshift variant.
Genome position (GRCh38, 1-based): chr4:25,158,986, A deleted on the plus strand (T on the coding strand, the reverse complement: SEPSECS is on the minus strand). VCF-style (leftmost placement, unchanged base first): chr4-25158985-CA-C. GRCh37 (hg19) VCF-style: chr4-25160607-CA-C.
Other names: c.491del, p.Val164fs (NM_001410714.1); short protein forms V164fs, V79fs.
Identifiers: ClinVar variation 4815890 (VCV004815890.1).